The following is an entry in ClinVar:

NM_003954.5(MAP3K14):c.2783C>A (p.Pro928His)

Genes: MAP3K14 (mitogen-activated protein kinase kinase kinase 14; minus strand), MAP3K14-AS1 (MAP3K14 antisense RNA 1; plus strand). Cytogenetic location: 17q21.31.
Variant type: single nucleotide variant.
Coding change: c.2783C>A on transcript NM_003954.5 (MANE Select); coding-DNA position 2783, C replaced by A.
Protein change: p.Pro928His; replaces proline 928 with histidine.
Molecular consequence: missense variant.
Genome position (GRCh38, 1-based): chr17:45,264,697, G>T on the plus strand (C>A on the coding strand, the complement: MAP3K14 is on the minus strand). VCF-style: chr17-45264697-G-T. GRCh37 (hg19) VCF-style: chr17-43342064-G-T.
Other names: short protein forms P928H.
Identifiers: ClinVar variation 1023728 (VCV001023728.6), dbSNP rs56036201, ClinGen allele CA8613767.
Genomic context (GRCh38, chr17:45,264,697, plus strand): 5'-TAGGGCCTGTTCTCCAGCTGGCCATGCTTGACCCTCCAGCTCCAGGCGAAGCTGCCATCA[G>T]GGGCCAGTGTGCACTGCAGGTCGATGCCCGAGTCTGGCACCTCCATGTCGTAGCGAACAG-3'
Protein context (NP_003945.2, residues 918-938): SGIDLQCTLA[Pro928His]DGSFAWSWRV

ClinVar aggregate classification (germline): Uncertain significance (1 of 4 stars; one submission).

Conditions:
NIK deficiency. Also called: Primary immunodeficiency with multifaceted aberrant lymphoid immunity. Identifiers: Orphanet 447731, MedGen C5680065, MONDO:0018642.

Allele frequency attached by ClinVar (database versions not stated): TOPMed 0.00005; gnomAD exomes 0.00006 and 0.00012; gnomAD 0.00009; 1000 Genomes Project 30x 0.00016; ExAC 0.00018; 1000 Genomes Project 0.00020.
gnomAD v4.1: 110 of 1,607,876 alleles (0.0068%); highest among the groups gnomAD compares: South Asian, 0.033%; no homozygotes.

Submission:

Labcorp Genetics (formerly Invitae), Labcorp
Classification: Uncertain significance for NIK deficiency. Last evaluated: 2024-08-04. Review status: criteria provided, single submitter. Criteria: Invitae Variant Classification Sherloc (09022015). Collection method: clinical testing. Allele origin: germline.
Comment: This sequence change replaces proline, which is neutral and non-polar, with histidine, which is basic and polar, at codon 928 of the MAP3K14 protein (p.Pro928His). This variant is present in population databases (rs56036201, gnomAD 0.06%). This variant has not been reported in the literature in individuals affected with MAP3K14-related conditions. ClinVar contains an entry for this variant (Variation ID: 1023728). Experimental studies and prediction algorithms are not available or were not evaluated, and the functional significance of this variant is currently unknown. In summary, the available evidence is currently insufficient to determine the role of this variant in disease. Therefore, it has been classified as a Variant of Uncertain Significance.